The following is an entry in ClinVar:

ClinVar aggregate classification (germline): Pathogenic (1 of 4 stars; one submission).

Submission:

Labcorp Genetics (formerly Invitae), Labcorp
Classification: Pathogenic. Last evaluated: 2023-07-16. Review status: criteria provided, single submitter. Criteria: Invitae Variant Classification Sherloc (09022015). Collection method: clinical testing. Allele origin: unknown.
Comment: For these reasons, this variant has been classified as Pathogenic. This variant disrupts a region of the FH protein in which other variant(s) (p.Ala117Pro) have been determined to be pathogenic (PMID: 11865300, 21398687, 24334767, 31831373; Invitae). This suggests that this is a clinically significant region of the protein, and that variants that disrupt it are likely to be disease-causing. This variant has not been reported in the literature in individuals affected with FH-related conditions. This variant is a gross deletion of the genomic region encompassing exon(s) 2-3 of the FH gene. This variant would be expected to be in-frame, preserving the integrity of the reading frame.

Literature cited by the submitters: PubMed 11865300; PubMed 21398687; PubMed 24334767; PubMed 31831373.

NC_000001.10:g.(?_241676893)_(241680626_?)del

Gene: FH (fumarate hydratase; minus strand). Cytogenetic location: 1q43.
Variant type: Deletion.
Identifiers: ClinVar variation 3247872 (VCV003247872.1).